The following is an entry in ClinVar:

NC_000023.10:g.(?_32481536)_(32717430_?)del

Gene: DMD (dystrophin; minus strand). Cytogenetic location: Xp21.1.
Variant type: Deletion.
Identifiers: ClinVar variation 3248505 (VCV003248505.1).

ClinVar aggregate classification (germline): Pathogenic (1 of 4 stars; one submission).

Conditions:
Duchenne muscular dystrophy (DMD). Also called: MUSCULAR DYSTROPHY, PSEUDOHYPERTROPHIC PROGRESSIVE, DUCHENNE TYPE; Duchenne Muscular Dystrophy (DMD). Identifiers: Orphanet 98896, MedGen C0013264, MONDO:0010679, OMIM 310200.

Submission:

Labcorp Genetics (formerly Invitae), Labcorp
Classification: Pathogenic for Duchenne muscular dystrophy. Last evaluated: 2022-02-10. Review status: criteria provided, single submitter. Criteria: Invitae Variant Classification Sherloc (09022015). Collection method: clinical testing. Allele origin: unknown.
Comment: For these reasons, this variant has been classified as Pathogenic. This variant has not been reported in the literature in individuals affected with DMD-related conditions. This variant is a gross deletion of the genomic region encompassing exon(s) 8-25 of the DMD gene. This deletion is out-of-frame, and is expected to create a premature termination codon and result in an absent or disrupted protein product. Loss-of-function variants in DMD are known to be pathogenic (PMID: 16770791, 25007885).

Literature cited by the submitters: PubMed 16770791; PubMed 25007885.